The following is an entry in ClinVar:

NM_000284.4(PDHA1):c.963_977dup (p.Lys321_Val325dup)

Gene: PDHA1 (pyruvate dehydrogenase E1 subunit alpha 1; plus strand). Cytogenetic location: Xp22.12.
Variant type: Duplication.
Coding change: c.963_977dup on transcript NM_000284.4 (MANE Select); coding-DNA positions 963 to 977, 15 bases duplicated (GGACAGGATGGTGAA).
Protein change: p.Lys321_Val325dup.
Molecular consequence: inframe insertion.
Genome position (GRCh38, 1-based): chrX:19,358,979-19,358,993, GGACAGGATGGTGAA duplicated; duplicating any 15 consecutive bases within chrX:19,358,977-19,358,993 gives the same sequence; the c. name uses the placement nearest the transcript's 3' end. VCF-style (leftmost placement, unchanged base first): chrX-19358976-C-CAAGGACAGGATGGTG. GRCh37 (hg19) VCF-style: chrX-19377094-C-CAAGGACAGGATGGTG.
Other names: c.963_977dupGGACAGGATGGTGAA (NM_000284.3); c.1077_1091dup, p.Lys359_Val363dup (NM_001173454.2); c.984_998dup, p.Lys328_Val332dup (NM_001173455.2); c.870_884dup, p.Lys290_Val294dup (NM_001173456.2).
Identifiers: ClinVar variation 842685 (VCV000842685.12), dbSNP rs2063233021, ClinGen allele CA916083856.

ClinVar aggregate classification (germline): Uncertain significance. Review status: criteria provided, multiple submitters, no conflicts (2 of 4 stars). 3 submissions from 3 submitters: Uncertain significance (2). 1 of the submissions does not count toward it. Last evaluated 2022-09-18.

Conditions:
Pyruvate dehydrogenase E1-alpha deficiency (PDHAD). Also called: ATAXIA, INTERMITTENT, WITH ABNORMAL PYRUVATE METABOLISM; ATAXIA, INTERMITTENT, WITH PYRUVATE DEHYDROGENASE DEFICIENCY; ATAXIA WITH LACTIC ACIDOSIS I; Ataxia, intermittent, with pyruvate dehydrogenase, or decarboxylase, deficiency. Identifiers: Orphanet 79243, MedGen C1839413, MONDO:0010717, OMIM 312170.

Submissions (3):

Labcorp Genetics (formerly Invitae), Labcorp
Classification: Uncertain significance for Pyruvate dehydrogenase E1-alpha deficiency. Last evaluated: 2022-09-18. Review status: criteria provided, single submitter. Criteria: Invitae Variant Classification Sherloc (09022015). Collection method: clinical testing. Allele origin: germline.
Comment: This variant is not present in population databases (gnomAD no frequency). This variant, c.963_977dup, results in the insertion of 5 amino acid(s) of the PDHA1 protein (p.Lys321_Val325dup), but otherwise preserves the integrity of the reading frame. In summary, the available evidence is currently insufficient to determine the role of this variant in disease. Therefore, it has been classified as a Variant of Uncertain Significance. Algorithms developed to predict the effect of sequence changes on RNA splicing suggest that this variant may create or strengthen a splice site. ClinVar contains an entry for this variant (Variation ID: 842685). This variant has been observed in individual(s) with pyruvate dehydrogenase E1-alpha (PDHE1α) deficiency (PMID: 28918066).

GeneDx
Classification: Uncertain significance. Last evaluated: 2019-12-24. Review status: criteria provided, single submitter. Criteria: GeneDx Variant Classification Process June 2021. Collection method: clinical testing. Allele origin: germline. Affected: yes.
Comment: In-frame insertion of 5 amino acids in a non-repeat region; Not observed in large population cohorts (Lek et al., 2016); This variant is associated with the following publications: (PMID: 28918066)

PDHA1 Study Group, University Children’s Hospital, Paracelsus Medical University
Classification: Pathogenic for Pyruvate dehydrogenase E1-alpha deficiency. Last evaluated: 2024-10-15. Review status: no assertion criteria provided. Collection method: research. Allele origin: inherited. Affected: yes. Observed: 5 variant alleles. Not counted in ClinVar's aggregate classification.
Comment: The NM_000284.3:c.963_977dup (p.Lys321_Val325dup) change is a deletion-insertion (delins) variant in PDHA1 gene. In total, 5 individuals were diagnosed with PDHA1-related Pyruvate dehydrogenase complex (PDHc) deficiency (MIM #312170). These include 4 males and 1 female. Among them, 3 were confirmed inherited. The variant has been reported in 2 published cases (PMIDs: 8962591, 23021068, 28918066). Additional 3 unpublished cases from internal data are included. Last literature search: July 12, 2024. This variant is absent or extremely rare in population-based cohorts in the Genome Aggregation Database (gnomAD). Individuals harboring this variant presented with clinical features compatible with PDHA1-related PDHc deficiency. In summary, this variant meets criteria to be classified as pathogenic (P) for PDHA1-related PDHc deficiency based on the ACMG/AMP criteria applied: PS1, PS3, PM1, PM2, PM4 (last assessment October 15, 2024).

Literature cited by the submitters: PubMed 28918066 (cited by Labcorp Genetics (formerly Invitae), Labcorp and PDHA1 Study Group, University Children’s Hospital, Paracelsus Medical University); PubMed 8962591 (cited by PDHA1 Study Group, University Children’s Hospital, Paracelsus Medical University); PubMed 23021068 (cited by PDHA1 Study Group, University Children’s Hospital, Paracelsus Medical University); DOI 10.1093/brain/awaf430 (cited by PDHA1 Study Group, University Children’s Hospital, Paracelsus Medical University).